The following is an entry in ClinVar:

NM_001200.4(BMP2):c.280G>A (p.Ala94Thr)

Gene: BMP2 (bone morphogenetic protein 2; plus strand). Cytogenetic location: 20p12.3.
Variant type: single nucleotide variant.
Coding change: c.280G>A on transcript NM_001200.4 (MANE Select); coding-DNA position 280, G replaced by A.
Protein change: p.Ala94Thr; replaces alanine 94 with threonine.
Molecular consequence: missense variant.
Genome position (GRCh38, 1-based): chr20:6,770,406, G>A. VCF-style: chr20-6770406-G-A. GRCh37 (hg19) VCF-style: chr20-6751053-G-A.
Other names: short protein forms A94T.
Identifiers: ClinVar variation 2702158 (VCV002702158.3), dbSNP rs779964077, ClinGen allele CA408260602.

ClinVar aggregate classification (germline): Uncertain significance (1 of 4 stars; one submission).

Allele frequency attached by ClinVar (database versions not stated): gnomAD 0.00001; TOPMed 0.00001.
gnomAD v4.1: 1 of 1,611,688 alleles (0.000062%); highest among the groups gnomAD compares: African/African-American, 0.0013%; no homozygotes.

Submission:

Labcorp Genetics (formerly Invitae), Labcorp
Classification: Uncertain significance. Last evaluated: 2024-01-16. Review status: criteria provided, single submitter. Criteria: Invitae Variant Classification Sherloc (09022015). Collection method: clinical testing. Allele origin: germline.
Comment: This sequence change replaces alanine, which is neutral and non-polar, with threonine, which is neutral and polar, at codon 94 of the BMP2 protein (p.Ala94Thr). This variant is not present in population databases (gnomAD no frequency). This variant has not been reported in the literature in individuals affected with BMP2-related conditions. Algorithms developed to predict the effect of missense changes on protein structure and function output the following: SIFT: "Not Available"; PolyPhen-2: "Benign"; Align-GVGD: "Not Available". The threonine amino acid residue is found in multiple mammalian species, which suggests that this missense change does not adversely affect protein function. In summary, the available evidence is currently insufficient to determine the role of this variant in disease. Therefore, it has been classified as a Variant of Uncertain Significance.